The following is an entry in ClinVar:

NM_000245.4(MET):c.3051G>C (p.Gln1017His)

Gene: MET (MET proto-oncogene, receptor tyrosine kinase; plus strand). Cytogenetic location: 7q31.2.
Variant type: single nucleotide variant.
Coding change: c.3051G>C on transcript NM_000245.4 (MANE Select); coding-DNA position 3051, G replaced by C.
Protein change: p.Gln1017His; replaces glutamine 1017 with histidine.
Molecular consequence: missense variant.
Genome position (GRCh38, 1-based): chr7:116,774,903, G>C. VCF-style: chr7-116774903-G-C. GRCh37 (hg19) VCF-style: chr7-116414957-G-C.
Other names: c.3105G>C, p.Gln1035His (NM_001127500.3); c.1761G>C, p.Gln587His (NM_001324402.2); short protein forms Q1017H, Q1035H, Q587H.
Identifiers: ClinVar variation 1318564 (VCV001318564.5), dbSNP rs2117029691, ClinGen allele CA368987835.
Genomic context (GRCh38, chr7:116,774,903, plus strand): 5'-TTACTGTTGTTCTTTAATAATTTTCCTTCATCTTACAGATCAGTTTCCTAATTCATCTCA[G>C]AACGGTTCATGCCGACAAGTGCAGTATCCTCTGACAGACATGTCCCCCATCCTAACTAGT-3'
Protein context (NP_000236.2, residues 1007-1027): FPEDQFPNSS[Gln1017His]NGSCRQVQYP

ClinVar aggregate classification (germline): Uncertain significance. Review status: criteria provided, multiple submitters, no conflicts (2 of 4 stars). 2 submissions from 2 submitters: Uncertain significance (2). Last evaluated 2024-05-05.

Conditions:
Hereditary cancer-predisposing syndrome. Also called: Hereditary neoplastic syndrome; Neoplastic Syndromes, Hereditary; Tumor predisposition; Hereditary Cancer Syndrome. Identifiers: Orphanet 140162, MedGen C0027672, MeSH D009386, MONDO:0015356.

Submissions (2):

Ambry Genetics
Classification: Uncertain significance for Hereditary cancer-predisposing syndrome. Last evaluated: 2024-05-05. Review status: criteria provided, single submitter. Criteria: Ambry Variant Classification Scheme 2023. Collection method: clinical testing. Allele origin: germline.
Comment: The p.Q1035H variant (also known as c.3105G>C), located in coding exon 14 of the MET gene, results from a G to C substitution at nucleotide position 3105. The glutamine at codon 1035 is replaced by histidine, an amino acid with highly similar properties. This amino acid position is conserved. In addition, the in silico prediction for this alteration is inconclusive. Since supporting evidence is limited at this time, the clinical significance of this alteration remains unclear.

GeneDx
Classification: Uncertain significance. Last evaluated: 2020-03-03. Review status: criteria provided, single submitter. Criteria: GeneDx Variant Classification Process June 2021. Collection method: clinical testing. Allele origin: germline. Affected: yes.
Comment: Not observed in large population cohorts (Lek 2016); In silico analysis supports that this missense variant has a deleterious effect on protein structure/function; Has not been previously published as pathogenic or benign to our knowledge